The following is an entry in ClinVar:

GRCh38/hg38 2q24.3-31.1(chr2:164850117-175559190)x1

Genes: ABCB11 (ATP binding cassette subfamily B member 11; minus strand), ATF2 (activating transcription factor 2; minus strand), ATP5MC3 (ATP synthase membrane subunit c locus 3; minus strand), B3GALT1 (beta-1,3-galactosyltransferase 1; plus strand), B3GALT1-AS1 (B3GALT1 antisense RNA 1; minus strand) and 268 more. Cytogenetic location: 2q24.3-31.1.
Variant type: copy number loss.
Change: copy number 1 (one copy instead of two) of chr2:164,850,117-175,559,190 (10.71 Mb, GRCh38 coordinates, 1-based), cytogenetic band 2q24.3-31.1.
Identifiers: ClinVar variation 57491 (VCV000057491.1).

ClinVar aggregate classification (germline): Pathogenic (1 of 4 stars; one submission).

Submission:

ISCA site 4
Classification: Pathogenic. Last evaluated: 2011-08-12. Review status: criteria provided, single submitter. Criteria: Kaminsky et al. (Genet Med. 2011). Collection method: clinical testing. Allele origin: unknown. Affected: yes. Observed: 1 variant allele.
Comment: Copy number variation identified through the course of routine clinical cytogenomic testing in postnatal populations. Clinical assertions have been curated as described in Kaminsky et al. 2011.